The following is an entry in ClinVar:

ClinVar aggregate classification (germline): Uncertain significance. Review status: criteria provided, multiple submitters, no conflicts (2 of 4 stars). 6 submissions from 6 submitters: Uncertain significance (5). 1 of the submissions does not count toward it. Last evaluated 2025-05-16.

Conditions:
Inborn genetic diseases. Identifiers: MedGen C0950123, MeSH D030342.
Charcot-Marie-Tooth disease. Also called: Charcot-Marie-Tooth Neuropathy; Charcot-Marie-Tooth Hereditary Neuropathy. Identifiers: Orphanet 166, MedGen C0007959, MONDO:0015626.
Charcot-Marie-Tooth disease type 4. Also called: Charcot-Marie-Tooth disease, type IV; Charcot-Marie-Tooth, Type 4. Identifiers: Orphanet 64749, MedGen C4082197, MONDO:0018995.

Allele frequency attached by ClinVar (database versions not stated): gnomAD 0.00006; ESP Exome Variant Server 0.00008; TOPMed 0.00011.
gnomAD v4.1: 79 of 1,605,482 alleles (0.0049%); highest among the groups gnomAD compares: African/African-American, 0.0067%; no homozygotes.

Submissions (6):

GeneDx
Classification: Uncertain significance. Last evaluated: 2025-05-16. Review status: criteria provided, single submitter. Criteria: GeneDx Variant Classification Process June 2021. Collection method: clinical testing. Allele origin: germline. Affected: yes.
Comment: Not observed at significant frequency in large population cohorts (gnomAD); In silico analysis suggests that this missense variant does not alter protein structure/function; Has not been previously published as pathogenic or benign to our knowledge

Ambry Genetics
Classification: Uncertain significance for Inborn genetic diseases. Last evaluated: 2025-04-15. Review status: criteria provided, single submitter. Criteria: Ambry Variant Classification Scheme 2023. Collection method: clinical testing. Allele origin: germline.

Blueprint Genetics
Classification: Uncertain significance. Last evaluated: 2024-03-09. Review status: criteria provided, single submitter. Criteria: ACMG Guidelines, 2015. Collection method: clinical testing. Allele origin: germline.

Labcorp Genetics (formerly Invitae), Labcorp
Classification: Uncertain significance for Charcot-Marie-Tooth disease type 4. Last evaluated: 2021-08-31. Review status: criteria provided, single submitter. Criteria: Invitae Variant Classification Sherloc (09022015). Collection method: clinical testing. Allele origin: germline.
Comment: This sequence change replaces arginine with glutamine at codon 1371 of the PRX protein (p.Arg1371Gln). The arginine residue is moderately conserved and there is a small physicochemical difference between arginine and glutamine. This variant is present in population databases (rs377009047, ExAC 0.005%). This variant has not been reported in the literature in individuals affected with PRX-related conditions. ClinVar contains an entry for this variant (Variation ID: 246575). Algorithms developed to predict the effect of missense changes on protein structure and function output the following: SIFT: "Tolerated"; PolyPhen-2: "Benign"; Align-GVGD: "Class C0". The glutamine amino acid residue is found in multiple mammalian species, which suggests that this missense change does not adversely affect protein function. Algorithms developed to predict the effect of sequence changes on RNA splicing suggest that this variant may create or strengthen a splice site. In summary, the available evidence is currently insufficient to determine the role of this variant in disease. Therefore, it has been classified as a Variant of Uncertain Significance.

Molecular Genetics Laboratory, London Health Sciences Centre
Classification: Uncertain significance for Charcot-Marie-Tooth disease. Review status: criteria provided, single submitter. Criteria: ACMG Guidelines, 2015. Collection method: clinical testing. Allele origin: germline. Affected: yes.

Department of Pathology and Laboratory Medicine, Sinai Health System
Classification: Uncertain significance. Review status: no assertion criteria provided. Collection method: clinical testing. Allele origin: unknown. Affected: yes. Study: The Canadian Open Genetics Repository (COGR). Not counted in ClinVar's aggregate classification.
Comment: The PRX p.Arg1371Gln variant was not identified in the literature but was identified in dbSNP (ID: rs377009047), ClinVar (classified as uncertain significance by Invitae and GeneDx), and LOVD 3.0 (variant effect not shared). The variant was identified in control databases in 6 of 275768 chromosomes at a frequency of 0.00002176 (Genome Aggregation Database March 6, 2019, v2.1.1). The variant was observed in the following populations: African in 2 of 23996 chromosomes (freq: 0.000083) and European (non-Finnish) in 4 of 125214 chromosomes (freq: 0.000032), but was not observed in the Latino, Ashkenazi Jewish, East Asian, European (Finnish), Other, or South Asian populations. The p.Arg1371 residue is conserved in mammals and computational analyses (PolyPhen-2, SIFT, AlignGVGD, BLOSUM, MutationTaster) provide inconsistent predictions regarding the impact to the protein; this information is not very predictive of pathogenicity. The variant occurs outside of the splicing consensus sequence and two of four in silico or computational prediction software programs (SpliceSiteFinder, MaxEntScan, NNSPLICE, GeneSplicer) predict a greater than 10% difference in splicing; this is not very predictive of pathogenicity. In summary, based on the above information the clinical significance of this variant cannot be determined with certainty at this time. This variant is classified as a variant of uncertain significance.

NM_181882.3(PRX):c.4112G>A (p.Arg1371Gln)

Gene: PRX (periaxin; minus strand). Cytogenetic location: 19q13.2.
Variant type: single nucleotide variant.
Coding change: c.4112G>A on transcript NM_181882.3 (MANE Select); coding-DNA position 4112, G replaced by A.
Protein change: p.Arg1371Gln; replaces arginine 1371 with glutamine.
Molecular consequence: missense variant. On other transcripts: 3 prime UTR variant (1).
Genome position (GRCh38, 1-based): chr19:40,394,240, C>T on the plus strand (G>A on the coding strand, the complement: PRX is on the minus strand). VCF-style: chr19-40394240-C-T. GRCh37 (hg19) VCF-style: chr19-40900147-C-T.
Other names: c.*4317G>A (NM_020956.2); short protein forms R1371Q.
Identifiers: ClinVar variation 246575 (VCV000246575.15), dbSNP rs377009047, ClinGen allele CA9443695.